The following is an entry in ClinVar:

NM_018946.4(NANS):c.190C>T (p.Arg64Trp)

Genes: NANS (N-acetylneuraminate synthase; plus strand), TRIM14 (tripartite motif containing 14; minus strand). Cytogenetic location: 9q22.33.
Variant type: single nucleotide variant.
Coding change: c.190C>T on transcript NM_018946.4 (MANE Select); coding-DNA position 190, C replaced by T.
Protein change: p.Arg64Trp; replaces arginine 64 with tryptophan.
Molecular consequence: missense variant.
Genome position (GRCh38, 1-based): chr9:98,060,839, C>T. VCF-style: chr9-98060839-C-T. GRCh37 (hg19) VCF-style: chr9-100823121-C-T.
Other names: short protein forms R64W.
Identifiers: ClinVar variation 1897204 (VCV001897204.2), dbSNP rs149077735, ClinGen allele CA5150202.

ClinVar aggregate classification (germline): Uncertain significance (1 of 4 stars; one submission).

Allele frequency attached by ClinVar (database versions not stated): gnomAD 0.00003; 1000 Genomes Project 30x 0.00016; 1000 Genomes Project 0.00020.
gnomAD v4.1: 16 of 1,614,136 alleles (0.00099%); highest among the groups gnomAD compares: East Asian, 0.011%; no homozygotes.

Submission:

Labcorp Genetics (formerly Invitae), Labcorp
Classification: Uncertain significance. Last evaluated: 2022-05-24. Review status: criteria provided, single submitter. Criteria: Invitae Variant Classification Sherloc (09022015). Collection method: clinical testing. Allele origin: germline.
Comment: This sequence change replaces arginine, which is basic and polar, with tryptophan, which is neutral and slightly polar, at codon 64 of the NANS protein (p.Arg64Trp). This variant is present in population databases (rs149077735, gnomAD 0.005%). This variant has not been reported in the literature in individuals affected with NANS-related conditions. Algorithms developed to predict the effect of missense changes on protein structure and function (SIFT, PolyPhen-2, Align-GVGD) all suggest that this variant is likely to be disruptive. In summary, the available evidence is currently insufficient to determine the role of this variant in disease. Therefore, it has been classified as a Variant of Uncertain Significance.